The following is an entry in ClinVar:

ClinVar aggregate classification (germline): Pathogenic. Review status: criteria provided, multiple submitters, no conflicts (2 of 4 stars). 2 submissions from 2 submitters: Pathogenic (2). Last evaluated 2023-12-07.

Allele frequency attached by ClinVar (database versions not stated): gnomAD exomes below 0.00001 and 0.00001; gnomAD 0.00001; TOPMed 0.00002.
gnomAD v4.1: 8 of 1,551,792 alleles (0.00052%); highest among the groups gnomAD compares: Non-Finnish European, 0.00044%; no homozygotes.

Submissions (2):

Labcorp Genetics (formerly Invitae), Labcorp
Classification: Pathogenic. Last evaluated: 2023-12-07. Review status: criteria provided, single submitter. Criteria: Invitae Variant Classification Sherloc (09022015). Collection method: clinical testing. Allele origin: germline.
Comment: This sequence change creates a premature translational stop signal (p.Arg1494*) in the UNC80 gene. It is expected to result in an absent or disrupted protein product. Loss-of-function variants in UNC80 are known to be pathogenic (PMID: 26545877, 26708751, 26708753). This variant is present in population databases (no rsID available, gnomAD 0.005%). This variant has not been reported in the literature in individuals affected with UNC80-related conditions. ClinVar contains an entry for this variant (Variation ID: 1675836). For these reasons, this variant has been classified as Pathogenic.

CeGaT Center for Human Genetics Tuebingen
Classification: Pathogenic. Last evaluated: 2022-01-01. Review status: criteria provided, single submitter. Criteria: CeGaT Center For Human Genetics Tuebingen Variant Classification Criteria Version 2. Collection method: clinical testing. Allele origin: germline. Affected: yes. Observed: 1 variant allele.

Literature cited by the submitters: PubMed 26545877 (cited by Labcorp Genetics (formerly Invitae), Labcorp); PubMed 26708751 (cited by Labcorp Genetics (formerly Invitae), Labcorp); PubMed 26708753 (cited by Labcorp Genetics (formerly Invitae), Labcorp).

NM_001371986.1(UNC80):c.4678C>T (p.Arg1560Ter)

Gene: UNC80 (unc-80 subunit of NALCN channel complex; plus strand). Cytogenetic location: 2q34.
Variant type: single nucleotide variant.
Coding change: c.4678C>T on transcript NM_001371986.1 (MANE Select); coding-DNA position 4678, C replaced by T.
Protein change: p.Arg1560Ter; replaces arginine 1560 with a stop codon.
Molecular consequence: nonsense.
Genome position (GRCh38, 1-based): chr2:209,904,861, C>T. VCF-style: chr2-209904861-C-T. GRCh37 (hg19) VCF-style: chr2-210769585-C-T.
Other names: c.4480C>T, p.Arg1494Ter (NM_032504.2); c.4465C>T, p.Arg1489Ter (NM_182587.4); short protein forms R1489*, R1494*, R1560*.
Identifiers: ClinVar variation 1675836 (VCV001675836.36), dbSNP rs940692104, ClinGen allele CA65038843.